The following is an entry in ClinVar:

ClinVar aggregate classification (germline): Uncertain significance (1 of 4 stars; one submission).

Conditions:
Combined immunodeficiency due to DOCK8 deficiency (HIES2). Also called: HYPER-IgE RECURRENT INFECTION SYNDROME 2, AUTOSOMAL RECESSIVE; HIES autosomal recessive; Hyper-IgE recurrent infection syndrome, autosomal recessive; DOCK8 Deficiency; HYPER-IgE SYNDROME 2, AUTOSOMAL RECESSIVE, WITH RECURRENT INFECTIONS. Identifiers: Orphanet 217390, MedGen C4722305, MONDO:0009478, OMIM 243700.

Submission:

Labcorp Genetics (formerly Invitae), Labcorp
Classification: Uncertain significance for Hyper-Immunoglobulin E Syndrome, Autosomal Recessive. Last evaluated: 2019-10-05. Review status: criteria provided, single submitter. Criteria: Invitae Variant Classification Sherloc (09022015). Collection method: clinical testing. Allele origin: germline.
Comment: This variant results in a copy number gain of the genomic region encompassing exons 1-46 of the DOCK8 gene. The 5' end of this event is unknown as it extends beyond the assayed region for this gene and therefore may encompass additional genes. The 3' boundary is likely confined to intron 46 of the DOCK8 gene. As the precise location of this event is unknown, it may be in tandem or it may be located elsewhere in the genome. This variant has not been reported in the literature in individuals with DOCK8-related disease. In summary, the available evidence is currently insufficient to determine the role of this variant in disease. Therefore, it has been classified as a Variant of Uncertain Significance.

NC_000009.11:g.(?_214957)_(452137_?)dup

Genes: DOCK8 (dedicator of cytokinesis 8; plus strand), DOCK8-AS1 (DOCK8 antisense RNA 1; minus strand), LOC130001440 (ATAC-STARR-seq lymphoblastoid active region 28116; plus strand), LOC126860552 (BRD4-independent group 4 enhancer GRCh37_chr9:285795-286994; plus strand), LOC130001438 (ATAC-STARR-seq lymphoblastoid silent region 19723; plus strand) and 2 more. Cytogenetic location: 9p24.3.
Variant type: Duplication.
Identifiers: ClinVar variation 664460 (VCV000664460.2).